The following is an entry in ClinVar:

ClinVar aggregate classification (germline): Uncertain significance. Review status: criteria provided, multiple submitters, no conflicts (2 of 4 stars). 2 submissions from 2 submitters: Uncertain significance (2). Last evaluated 2024-09-15.

Allele frequency attached by ClinVar (database versions not stated): gnomAD 0.00001 and 0.00003; gnomAD exomes 0.00002; TOPMed 0.00002; ExAC 0.00003.
gnomAD v4.1: 35 of 1,610,576 alleles (0.0022%); highest among the groups gnomAD compares: Non-Finnish European, 0.0029%; no homozygotes.

Submissions (2):

Blueprint Genetics
Classification: Uncertain significance. Last evaluated: 2024-09-15. Review status: criteria provided, single submitter. Criteria: ACMG Guidelines, 2015. Collection method: clinical testing. Allele origin: germline.

Labcorp Genetics (formerly Invitae), Labcorp
Classification: Uncertain significance. Last evaluated: 2023-06-26. Review status: criteria provided, single submitter. Criteria: Invitae Variant Classification Sherloc (09022015). Collection method: clinical testing. Allele origin: germline.
Comment: In summary, the available evidence is currently insufficient to determine the role of this variant in disease. Therefore, it has been classified as a Variant of Uncertain Significance. Advanced modeling of protein sequence and biophysical properties (such as structural, functional, and spatial information, amino acid conservation, physicochemical variation, residue mobility, and thermodynamic stability) performed at Invitae indicates that this missense variant is expected to disrupt C2CD3 protein function. ClinVar contains an entry for this variant (Variation ID: 1516762). This variant has not been reported in the literature in individuals affected with C2CD3-related conditions. This variant is present in population databases (rs745530467, gnomAD 0.004%). This sequence change replaces tryptophan, which is neutral and slightly polar, with arginine, which is basic and polar, at codon 1715 of the C2CD3 protein (p.Trp1715Arg).

NM_001286577.2(C2CD3):c.5143T>C (p.Trp1715Arg)

Gene: C2CD3 (C2 domain containing 3 centriole elongation regulator; minus strand). Cytogenetic location: 11q13.4.
Variant type: single nucleotide variant.
Coding change: c.5143T>C on transcript NM_001286577.2 (MANE Select); coding-DNA position 5143, T replaced by C.
Protein change: p.Trp1715Arg; replaces tryptophan 1715 with arginine.
Molecular consequence: missense variant.
Genome position (GRCh38, 1-based): chr11:74,054,619, A>G on the plus strand (T>C on the coding strand, the complement: C2CD3 is on the minus strand). VCF-style: chr11-74054619-A-G. GRCh37 (hg19) VCF-style: chr11-73765664-A-G.
Other names: c.5143T>C, p.Trp1715Arg (NM_015531.6); short protein forms W1715R.
Identifiers: ClinVar variation 1516762 (VCV001516762.7), dbSNP rs745530467, ClinGen allele CA6181975.